The following is an entry in ClinVar:

NM_000964.4(RARA):c.827G>A (p.Arg276Gln)

Gene: RARA (retinoic acid receptor alpha; plus strand). Cytogenetic location: 17q21.2.
Variant type: single nucleotide variant.
Coding change: c.827G>A on transcript NM_000964.4 (MANE Select); coding-DNA position 827, G replaced by A.
Protein change: p.Arg276Gln; replaces arginine 276 with glutamine.
Molecular consequence: missense variant.
Genome position (GRCh38, 1-based): chr17:40,354,321, G>A. VCF-style: chr17-40354321-G-A. GRCh37 (hg19) VCF-style: chr17-38510573-G-A.
Other names: c.812G>A, p.Arg271Gln (NM_001024809.4); c.827G>A, p.Arg276Gln (NM_001145301.3); c.536G>A, p.Arg179Gln (NM_001145302.3); short protein forms R179Q, R271Q, R276Q.
Identifiers: ClinVar variation 985591 (VCV000985591.6), dbSNP rs2034543510, ClinGen allele CA399339744.
Genomic context (GRCh38, chr17:40,354,321, plus strand): 5'-TTCGGGTTCAGTCCCTGAACCCAAGCATCCTCTGCACCCAGATCCTGCGGATCTGCACGC[G>A]GTACACGCCCGAGCAGGACACCATGACCTTCTCGGACGGGCTGACCCTGAACCGGACCCA-3'
Protein context (NP_000955.1, residues 266-286): LDILILRICT[Arg276Gln]YTPEQDTMTF

ClinVar aggregate classification (germline): Conflicting classifications of pathogenicity. Review status: criteria provided, conflicting classifications (1 of 4 stars). 2 submissions from 2 submitters: Likely pathogenic (1); Uncertain significance (1). Last evaluated 2022-03-01.

Conditions:
Inborn genetic diseases. Identifiers: MedGen C0950123, MeSH D030342.

Allele frequency attached by ClinVar (database versions not stated): gnomAD exomes below 0.00001.
gnomAD v4.1: 1 of 1,614,110 alleles (0.000062%); highest among the groups gnomAD compares: African/African-American, 0.0013%; no homozygotes.

Submissions (2):

Greenwood Genetic Center Diagnostic Laboratories, Greenwood Genetic Center
Classification: Uncertain significance. Last evaluated: 2022-03-01. Review status: criteria provided, single submitter. Criteria: ACMG Guidelines, 2015. Collection method: clinical testing. Allele origin: germline. Affected: yes.
Comment: Gene of Uncertain Clinical Significance

Ambry Genetics
Classification: Likely pathogenic for Inborn genetic diseases. Last evaluated: 2016-09-28. Review status: criteria provided, single submitter. Criteria: Ambry exome assertion method (8-5-2015). Collection method: clinical testing. Allele origin: germline. Affected: yes. Observed: 1 variant allele.

Literature cited by the submitters: PubMed 15193451 (cited by Ambry Genetics); PubMed 9111026 (cited by Ambry Genetics).